The following is an entry in ClinVar:

NM_000443.4(ABCB4):c.3318G>C (p.Gln1106His)

Gene: ABCB4 (ATP binding cassette subfamily B member 4; minus strand). Cytogenetic location: 7q21.12.
Variant type: single nucleotide variant.
Coding change: c.3318G>C on transcript NM_000443.4 (MANE Select); coding-DNA position 3318, G replaced by C.
Protein change: p.Gln1106His; replaces glutamine 1106 with histidine.
Molecular consequence: missense variant.
Genome position (GRCh38, 1-based): chr7:87,406,456, C>G on the plus strand (G>C on the coding strand, the complement: ABCB4 is on the minus strand). VCF-style: chr7-87406456-C-G. GRCh37 (hg19) VCF-style: chr7-87035772-C-G.
Other names: c.3339G>C, p.Gln1113His (NM_018849.3); c.3177G>C, p.Gln1059His (NM_018850.3); short protein forms Q1059H, Q1106H, Q1113H.
Identifiers: ClinVar variation 4846576 (VCV004846576.1).
Genomic context (GRCh38, chr7:87,406,456, plus strand): 5'-AATGCTGCAGTCAAATAGGATAGGCTCCTGAGACACGATTCCGAGTTGAGCTCTGAGCCA[C>G]TGGACATTGAGTTTCTTTGCTTCTTGACCATCGAGAAGCTGAAAACCAAAGTCCACAAAC-3'
Protein context (NP_000434.1, residues 1096-1116): DGQEAKKLNV[Gln1106His]WLRAQLGIVS

ClinVar aggregate classification (germline): Uncertain significance (1 of 4 stars; one submission).

Conditions:
Familial intrahepatic cholestasis. Identifiers: Orphanet 284385, MedGen CN296401, MONDO:0017290.
Low phospholipid associated cholelithiasis (GBD1). Also called: Gallbladder disease 1; Gallstone cholecystitis. Identifiers: Orphanet 69663, MedGen C2609268, MONDO:0010939, OMIM 600803.

gnomAD v4.1: 6 of 1,613,914 alleles (0.00037%); highest among the groups gnomAD compares: South Asian, 0.0066%; no homozygotes.

Submission:

Genomenon, Inc
Classification: Uncertain significance for Familial intrahepatic cholestasis; Low phospholipid associated cholelithiasis. Last evaluated: 2026-04-14. Review status: criteria provided, single submitter. Criteria: Genomenon Sequence Variant Interpretation Standards - Updated. Collection method: curation. Allele origin: germline. Affected: no.
Comment: ABCB4 p.Gln1106His (c.3318G>C) is a missense variant that changes the amino acid at residue 1106 from Glutamine to Histidine. This variant has been reported in the published literature (PMID:37208429;19018976). It is absent or not present at a significant frequency in gnomAD. In conclusion, we classify ABCB4 p.Gln1106His (c.3318G>C) as a variant of uncertain significance.

Literature cited by the submitters: PubMed 37208429; PubMed 19018976.